The following is an entry in ClinVar:

ClinVar aggregate classification (germline): Likely benign (1 of 4 stars; one submission).

Allele frequency attached by ClinVar (database versions not stated): TOPMed 0.00002; ExAC 0.00004; gnomAD exomes 0.00004.
gnomAD v4.1: 59 of 1,613,718 alleles (0.0037%); highest among the groups gnomAD compares: East Asian, 0.013%; no homozygotes.

Submission:

CeGaT Center for Human Genetics Tuebingen
Classification: Likely benign. Last evaluated: 2026-07-01. Review status: criteria provided, single submitter. Criteria: CeGaT Center For Human Genetics Tuebingen Variant Classification Criteria Version 2. Collection method: clinical testing. Allele origin: germline. Affected: yes. Observed: 2 variant alleles.
Comment: MAPK8IP3: BP4, BP7

NM_001318852.2(MAPK8IP3):c.1506G>A (p.Ala502=)

Gene: MAPK8IP3 (mitogen-activated protein kinase 8 interacting protein 3; plus strand). Cytogenetic location: 16p13.3.
Variant type: single nucleotide variant.
Coding change: c.1506G>A on transcript NM_001318852.2 (MANE Select); coding-DNA position 1506, G replaced by A.
Protein change: p.Ala502=; no amino-acid change (alanine 502 retained).
Molecular consequence: synonymous variant.
Genome position (GRCh38, 1-based): chr16:1,761,272, G>A. VCF-style: chr16-1761272-G-A. GRCh37 (hg19) VCF-style: chr16-1811273-G-A.
Other names: c.1485G>A, p.Ala495= (NM_001040439.2); c.1503G>A, p.Ala501= (NM_015133.5, NM_033392.3).
Identifiers: ClinVar variation 2645917 (VCV002645917.24), dbSNP rs769825901, ClinGen allele CA7816877.